The following is an entry in ClinVar:

NM_023110.3(FGFR1):c.2323C>G (p.Gln775Glu)

Gene: FGFR1 (fibroblast growth factor receptor 1; minus strand). Cytogenetic location: 8p11.23.
Variant type: single nucleotide variant.
Coding change: c.2323C>G on transcript NM_023110.3 (MANE Select); coding-DNA position 2323, C replaced by G.
Protein change: p.Gln775Glu; replaces glutamine 775 with glutamic acid.
Molecular consequence: missense variant. On other transcripts: intron variant (3).
Genome position (GRCh38, 1-based): chr8:38,413,774, G>C on the plus strand (C>G on the coding strand, the complement: FGFR1 is on the minus strand). VCF-style: chr8-38413774-G-C. GRCh37 (hg19) VCF-style: chr8-38271292-G-C.
Other names: c.2416C>G, p.Gln806Glu (NM_001174067.2); c.2044C>G, p.Gln682Glu (NM_001354368.2); c.2317C>G, p.Gln773Glu (NM_015850.4, NM_001174063.2, NM_001174065.2); c.2056C>G, p.Gln686Glu (NM_023105.3, NM_001174066.2); c.2050C>G, p.Gln684Glu (NM_023106.3); c.2019+144C>G (NM_001354370.2); c.2286+144C>G (NM_001354367.2); c.2280+144C>G (NM_001354369.2); and 1 more; short protein forms Q682E, Q684E, Q686E, Q765E, Q773E, Q775E, Q806E.
Identifiers: ClinVar variation 1312041 (VCV001312041.8), dbSNP rs1232665126, ClinGen allele CA370727497.

ClinVar aggregate classification (germline): Uncertain significance. Review status: criteria provided, multiple submitters, no conflicts (2 of 4 stars). 3 submissions from 3 submitters: Uncertain significance (3). Last evaluated 2024-10-24.

Conditions:
Pfeiffer syndrome (ACS5). Also called: ACS V. Identifiers: Orphanet 710, MedGen C0220658, MONDO:0007043, OMIM 101600.
Hypogonadotropic hypogonadism 2 with or without anosmia (HH2). Also called: HYPOGONADOTROPIC HYPOGONADISM 2 WITH OR WITHOUT ANOSMIA, SUSCEPTIBILITY TO; HYPOGONADOTROPIC HYPOGONADISM 2 WITHOUT ANOSMIA, SUSCEPTIBILITY TO; FGFR1-Related GnRH Deficiency (Kallmann Syndrome 2); HYPOGONADOTROPIC HYPOGONADISM 2 WITHOUT ANOSMIA. Identifiers: Orphanet 478, MedGen C1563720, MONDO:0007844, OMIM 147950. Disease mechanism: loss of function.
Hartsfield-Bixler-Demyer syndrome (HRTFDS). Also called: Holoprosencephaly, ectrodactyly, and bilateral cleft lip/palate; Hartsfield syndrome; FGFR1-Related Hartsfield Syndrome. Identifiers: Orphanet 2117, MedGen C1845146, MONDO:0014196, OMIM 615465. Disease mechanism: loss of function.
Trigonocephaly 1 (TRIGNO1). Identifiers: Orphanet 3366, MedGen C0432122, MONDO:0008603, OMIM 190440.
Jackson-Weiss syndrome (JWS). Also called: CRANIOSYNOSTOSIS, MIDFACIAL HYPOPLASIA, AND FOOT ABNORMALITIES. Identifiers: Orphanet 1540, MedGen C0795998, MONDO:0007400, OMIM 123150. Disease mechanism: loss of function.
Encephalocraniocutaneous lipomatosis (ECCL). Identifiers: Orphanet 2396, MedGen C0406612, MONDO:0013074, OMIM 613001.
Osteoglophonic dysplasia (OGD). Also called: Osteoglophonic dwarfism. Identifiers: Orphanet 2645, MedGen C0432283, MONDO:0008150, OMIM 166250.

Allele frequency attached by ClinVar (database versions not stated): gnomAD exomes below 0.00001; TOPMed 0.00001.
gnomAD v4.1: 7 of 1,614,112 alleles (0.00043%); highest among the groups gnomAD compares: Non-Finnish European, 0.00059%; no homozygotes.

Submissions (3):

Labcorp Genetics (formerly Invitae), Labcorp
Classification: Uncertain significance for Pfeiffer syndrome; Hypogonadotropic hypogonadism 2 with or without anosmia. Last evaluated: 2024-10-24. Review status: criteria provided, single submitter. Criteria: Invitae Variant Classification Sherloc (09022015). Collection method: clinical testing. Allele origin: germline.
Comment: This sequence change replaces glutamine, which is neutral and polar, with glutamic acid, which is acidic and polar, at codon 775 of the FGFR1 protein (p.Gln775Glu). This variant is not present in population databases (gnomAD no frequency). This variant has not been reported in the literature in individuals affected with FGFR1-related conditions. ClinVar contains an entry for this variant (Variation ID: 1312041). Invitae Evidence Modeling of protein sequence and biophysical properties (such as structural, functional, and spatial information, amino acid conservation, physicochemical variation, residue mobility, and thermodynamic stability) indicates that this missense variant is not expected to disrupt FGFR1 protein function with a negative predictive value of 80%. In summary, the available evidence is currently insufficient to determine the role of this variant in disease. Therefore, it has been classified as a Variant of Uncertain Significance.

Fulgent Genetics
Classification: Uncertain significance for Pfeiffer syndrome; Jackson-Weiss syndrome; Hypogonadotropic hypogonadism 2 with or without anosmia; Osteoglophonic dysplasia; Trigonocephaly 1; Encephalocraniocutaneous lipomatosis; Hartsfield-Bixler-Demyer syndrome. Last evaluated: 2022-02-04. Review status: criteria provided, single submitter. Criteria: ACMG Guidelines, 2015. Collection method: clinical testing. Allele origin: unknown.

GeneDx
Classification: Uncertain significance. Last evaluated: 2020-01-15. Review status: criteria provided, single submitter. Criteria: GeneDx Variant Classification Process June 2021. Collection method: clinical testing. Allele origin: germline. Affected: yes.
Comment: Not observed in large population cohorts (Lek et al., 2016); In silico analysis, which includes protein predictors and evolutionary conservation, supports that this variant does not alter protein structure/function; Has not been previously published as pathogenic or benign to our knowledge